The following is an entry in ClinVar:

ClinVar aggregate classification (germline): Likely benign. Review status: reviewed by expert panel (3 of 4 stars). 2 submissions from 2 submitters: Likely benign (1). 1 of the submissions does not count toward it. Last evaluated 2023-07-25.

Conditions:
Hereditary antithrombin deficiency (AT3D). Also called: Antithrombin III deficiency; Thrombophilia due to antithrombin III deficiency; Antithrombin deficiency; Reduced antithrombin III activity. Identifiers: Orphanet 82, MedGen C0272375, MONDO:0013144, OMIM 613118, HP:0001976.

Allele frequency attached by ClinVar (database versions not stated): gnomAD below 0.00001 and 0.00004; TOPMed below 0.00001; ExAC 0.00022; gnomAD exomes 0.00022; 1000 Genomes Project 30x 0.00047; 1000 Genomes Project 0.00060.
gnomAD v4.1: 145 of 1,614,160 alleles (0.009%); highest among the groups gnomAD compares: South Asian, 0.16%; 2 homozygotes.

Submissions (2):

Clingen Thrombosis Variant Curation Expert Panel, ClinGen
Classification: Likely benign for Hereditary antithrombin deficiency. Last evaluated: 2023-07-25. Review status: reviewed by expert panel. Criteria: ClinGen ACMG Specifications SERPINC1 V1.0.0. Collection method: curation. Allele origin: germline. Inheritance: Autosomal dominant inheritance.
Comment: The c.553A>G (NM_000488.3) variant in SERPINC1 is a missense variant predicted to cause substitution of threonine by alanine at amino acid 185 (p.Thr185Ala). The highest population minor allele frequency in gnomAD v2.1.1 is 0.001796 (55/30616 alleles) in the South Asian population, which is higher than the ClinGen SERPINC1 threshold ([>0.0002]) for BS1, and therefore meets this criterion (BS1). The computational predictor REVEL gives a score of 0.168, which is below the threshold of 0.3, and the splice site predictors VarSEAK and Splice AI indicated that the variant has no impact on splicing, which suggests that the variant does not impact SERPINC1 function (BP4). In summary, this variant meets criteria to be classified as likely benign. ACMG/AMP criteria applied, as specified by the Thrombosis Variant Curation Expert Panel for SERPINC1: BS1, BS4

Labcorp Genetics (formerly Invitae), Labcorp
Classification: Likely benign for Hereditary antithrombin deficiency. Last evaluated: 2024-01-10. Review status: criteria provided, single submitter. Criteria: Invitae Variant Classification Sherloc (09022015). Collection method: clinical testing. Allele origin: germline. Not counted in ClinVar's aggregate classification.

NM_000488.4(SERPINC1):c.553A>G (p.Thr185Ala)

Gene: SERPINC1 (serpin family C member 1; minus strand). Cytogenetic location: 1q25.1.
Variant type: single nucleotide variant.
Coding change: c.553A>G on transcript NM_000488.4 (MANE Select); coding-DNA position 553, A replaced by G.
Protein change: p.Thr185Ala; replaces threonine 185 with alanine.
Molecular consequence: missense variant. On other transcripts: intron variant (1).
Genome position (GRCh38, 1-based): chr1:173,911,870, T>C on the plus strand (A>G on the coding strand, the complement: SERPINC1 is on the minus strand). VCF-style: chr1-173911870-T-C. GRCh37 (hg19) VCF-style: chr1-173881008-T-C.
Other names: NM_000488.3(SERPINC1):c.553A>G; p.Thr185Ala; c.409A>G, p.Thr137Ala (NM_001365052.2); c.553A>G, p.Thr185Ala (NM_001386302.1, NM_001386304.1, NM_001386305.1); c.634A>G, p.Thr212Ala (NM_001386303.1); c.409-979A>G (NM_001386306.1); short protein forms T185A, T137A, T212A.
Identifiers: ClinVar variation 529742 (VCV000529742.8), dbSNP rs574547491, ClinGen allele CA1251401.